The following is an entry in ClinVar:

ClinVar aggregate classification (germline): Uncertain significance. Review status: criteria provided, multiple submitters, no conflicts (2 of 4 stars). 4 submissions from 3 submitters: Uncertain significance (4). Last evaluated 2023-02-08.

Conditions:
Seckel syndrome 1 (SCKL1). Also called: MICROCEPHALIC PRIMORDIAL DWARFISM I. Identifiers: Orphanet 808, MedGen C4551474, MONDO:0008869, OMIM 210600.
Familial cutaneous telangiectasia and oropharyngeal predisposition cancer syndrome. Identifiers: Orphanet 313846, MedGen C3281203, MONDO:0013806, OMIM 614564.

gnomAD v4.1: 27 of 1,612,986 alleles (0.0017%); highest among the groups gnomAD compares: Non-Finnish European, 0.0022%; no homozygotes.

Submissions (4):

Genome-Nilou Lab
Classification: Uncertain significance for Seckel syndrome 1. Last evaluated: 2023-02-08. Review status: criteria provided, single submitter. Criteria: ACMG Guidelines, 2015. Collection method: clinical testing. Allele origin: germline.

Genome-Nilou Lab
Classification: Uncertain significance for Familial cutaneous telangiectasia and oropharyngeal predisposition cancer syndrome. Last evaluated: 2023-02-08. Review status: criteria provided, single submitter. Criteria: ACMG Guidelines, 2015. Collection method: clinical testing. Allele origin: germline.

Labcorp Genetics (formerly Invitae), Labcorp
Classification: Uncertain significance. Last evaluated: 2022-03-12. Review status: criteria provided, single submitter. Criteria: Invitae Variant Classification Sherloc (09022015). Collection method: clinical testing. Allele origin: germline.
Comment: This variant is present in population databases (rs145569221, gnomAD 0.007%). This sequence change replaces arginine, which is basic and polar, with glutamine, which is neutral and polar, at codon 2008 of the ATR protein (p.Arg2008Gln). This variant has not been reported in the literature in individuals affected with ATR-related conditions. In summary, the available evidence is currently insufficient to determine the role of this variant in disease. Therefore, it has been classified as a Variant of Uncertain Significance. Algorithms developed to predict the effect of missense changes on protein structure and function are either unavailable or do not agree on the potential impact of this missense change (SIFT: "Tolerated"; PolyPhen-2: "Probably Damaging"; Align-GVGD: "Class C0"). ClinVar contains an entry for this variant (Variation ID: 901057).

Illumina Laboratory Services, Illumina
Classification: Uncertain significance for Seckel syndrome 1. Last evaluated: 2017-04-27. Review status: criteria provided, single submitter. Criteria: ICSL Variant Classification Criteria 13 December 2019. Collection method: clinical testing. Allele origin: germline.

NM_001184.4(ATR):c.6023G>A (p.Arg2008Gln)

Gene: ATR (ATR checkpoint kinase; minus strand). Cytogenetic location: 3q23.
Variant type: single nucleotide variant.
Coding change: c.6023G>A on transcript NM_001184.4 (MANE Select); coding-DNA position 6023, G replaced by A.
Protein change: p.Arg2008Gln; replaces arginine 2008 with glutamine.
Molecular consequence: missense variant.
Genome position (GRCh38, 1-based): chr3:142,493,187, C>T on the plus strand (G>A on the coding strand, the complement: ATR is on the minus strand). VCF-style: chr3-142493187-C-T. GRCh37 (hg19) VCF-style: chr3-142212029-C-T.
Other names: c.5831G>A, p.Arg1944Gln (NM_001354579.2); short protein forms R1944Q, R2008Q.
Identifiers: ClinVar variation 901057 (VCV000901057.11), dbSNP rs145569221, ClinGen allele CA2649436.